The following is an entry in ClinVar:

ClinVar aggregate classification (germline): Uncertain significance. Review status: criteria provided, multiple submitters, no conflicts (2 of 4 stars). 2 submissions from 2 submitters: Uncertain significance (2). Last evaluated 2024-02-17.

Conditions:
Charcot-Marie-Tooth disease dominant intermediate B (CMTDIB). Also called: Charcot-Marie-Tooth disease dominant intermediate 1; CMT DI1; Charcot-Marie-Tooth disease dominant intermediate I; CHARCOT-MARIE-TOOTH NEUROPATHY, DOMINANT INTERMEDIATE B. Identifiers: Orphanet 100044, Orphanet 228179, MedGen C1847902, MONDO:0011674, OMIM 606482.

Allele frequency attached by ClinVar (database versions not stated): gnomAD exomes 0.00001 and 0.00002; TOPMed 0.00001; ExAC 0.00003.
gnomAD v4.1: 14 of 1,613,354 alleles (0.00087%); highest among the groups gnomAD compares: South Asian, 0.0033%; no homozygotes.

Submissions (2):

Labcorp Genetics (formerly Invitae), Labcorp
Classification: Uncertain significance for Charcot-Marie-Tooth disease dominant intermediate B. Last evaluated: 2024-02-17. Review status: criteria provided, single submitter. Criteria: Invitae Variant Classification Sherloc (09022015). Collection method: clinical testing. Allele origin: germline.
Comment: This sequence change replaces valine, which is neutral and non-polar, with isoleucine, which is neutral and non-polar, at codon 596 of the DNM2 protein (p.Val596Ile). This variant is present in population databases (rs763762422, gnomAD 0.007%). This variant has not been reported in the literature in individuals affected with DNM2-related conditions. ClinVar contains an entry for this variant (Variation ID: 1347168). Advanced modeling of protein sequence and biophysical properties (such as structural, functional, and spatial information, amino acid conservation, physicochemical variation, residue mobility, and thermodynamic stability) has been performed at Invitae for this missense variant, however the output from this modeling did not meet the statistical confidence thresholds required to predict the impact of this variant on DNM2 protein function. In summary, the available evidence is currently insufficient to determine the role of this variant in disease. Therefore, it has been classified as a Variant of Uncertain Significance.

CeGaT Center for Human Genetics Tuebingen
Classification: Uncertain significance. Last evaluated: 2022-11-01. Review status: criteria provided, single submitter. Criteria: CeGaT Center For Human Genetics Tuebingen Variant Classification Criteria Version 2. Collection method: clinical testing. Allele origin: germline. Affected: yes. Observed: 1 variant allele.

NM_001005361.3(DNM2):c.1786G>A (p.Val596Ile)

Gene: DNM2 (dynamin 2; plus strand). Cytogenetic location: 19p13.2.
Variant type: single nucleotide variant.
Coding change: c.1786G>A on transcript NM_001005361.3 (MANE Select); coding-DNA position 1786, G replaced by A.
Protein change: p.Val596Ile; replaces valine 596 with isoleucine.
Molecular consequence: missense variant.
Genome position (GRCh38, 1-based): chr19:10,823,792, G>A. VCF-style: chr19-10823792-G-A. GRCh37 (hg19) VCF-style: chr19-10934468-G-A.
Other names: c.1786G>A, p.Val596Ile (NM_001005360.3, NM_001190716.2); c.1774G>A, p.Val592Ile (NM_001005362.3, NM_004945.4); short protein forms V596I, V592I.
Identifiers: ClinVar variation 1347168 (VCV001347168.31), dbSNP rs763762422, ClinGen allele CA9201411.